The following is an entry in ClinVar:

NM_006383.4(CIB2):c.175del (p.Ile59fs)

Gene: CIB2 (calcium and integrin binding family member 2; minus strand). Cytogenetic location: 15q25.1.
Variant type: Deletion.
Coding change: c.175del on transcript NM_006383.4 (MANE Select); coding-DNA position 175, one base deleted (A; older notation c.175delA).
Protein change: p.Ile59fs; shifts the reading frame from isoleucine 59.
Molecular consequence: frameshift variant. On other transcripts: intron variant (2).
Genome position (GRCh38, 1-based): chr15:78,111,188, T deleted on the plus strand (A on the coding strand, the reverse complement: CIB2 is on the minus strand). VCF-style (leftmost placement, unchanged base first): chr15-78111187-AT-A. GRCh37 (hg19) VCF-style: chr15-78403529-AT-A.
Other names: c.46del, p.Ile16fs (NM_001271888.2); c.52-1806del (NM_001271889.2); c.87-1679del (NM_001301224.2); short protein forms I16fs, I59fs.
Identifiers: ClinVar variation 3601861 (VCV003601861.1).
Genomic context (GRCh38, chr15:78,111,187, plus strand): 5'-CAGATCCCCTGCTCGCCAGCAAGAGGTCCTGCACATACCCGGAGCTCTGGCATCTGGATG[AT>A]GAGGCTCATGGGCACGTGGACGATGGGGCTCTTCCTGTAGTCCATTGGGACGAGGTTGGG-3'

ClinVar aggregate classification (germline): Pathogenic (1 of 4 stars; one submission).

Conditions:
Autosomal recessive nonsyndromic hearing loss 48. Also called: Deafness, autosomal recessive 48; Usher Syndrome Type 1J. Identifiers: Orphanet 231169, Orphanet 886, Orphanet 90636, MedGen C1836199, MONDO:0012273, OMIM 609439.

Submission:

Institute of Rare Diseases, West China Hospital, Sichuan University
Classification: Pathogenic for Autosomal recessive nonsyndromic hearing loss 48. Last evaluated: 2025-01-09. Review status: criteria provided, single submitter. Criteria: ClinGen HL ACMG Specifications v1. Collection method: research. Allele origin: germline. Affected: yes.
Comment: PVS1;PM3_Supporting;PM2_Supporting